The following is an entry in ClinVar:

ClinVar aggregate classification (germline): Uncertain significance (1 of 4 stars; one submission).

Allele frequency attached by ClinVar (database versions not stated): TOPMed 0.00002; gnomAD 0.00004; gnomAD exomes 0.00004; ExAC 0.00007.
gnomAD v4.1: 62 of 1,613,614 alleles (0.0038%); highest among the groups gnomAD compares: South Asian, 0.046%; no homozygotes.

Submission:

Labcorp Genetics (formerly Invitae), Labcorp
Classification: Uncertain significance. Last evaluated: 2023-06-14. Review status: criteria provided, single submitter. Criteria: Invitae Variant Classification Sherloc (09022015). Collection method: clinical testing. Allele origin: germline.
Comment: This sequence change replaces arginine, which is basic and polar, with histidine, which is basic and polar, at codon 60 of the PRUNE1 protein (p.Arg60His). This variant is present in population databases (rs751943099, gnomAD 0.03%). This variant has not been reported in the literature in individuals affected with PRUNE1-related conditions. Advanced modeling of protein sequence and biophysical properties (such as structural, functional, and spatial information, amino acid conservation, physicochemical variation, residue mobility, and thermodynamic stability) performed at Invitae indicates that this missense variant is not expected to disrupt PRUNE1 protein function. In summary, the available evidence is currently insufficient to determine the role of this variant in disease. Therefore, it has been classified as a Variant of Uncertain Significance.

NM_021222.3(PRUNE1):c.179G>A (p.Arg60His)

Gene: PRUNE1 (prune exopolyphosphatase 1; plus strand). Cytogenetic location: 1q21.3.
Variant type: single nucleotide variant.
Coding change: c.179G>A on transcript NM_021222.3 (MANE Select); coding-DNA position 179, G replaced by A.
Protein change: p.Arg60His; replaces arginine 60 with histidine.
Molecular consequence: missense variant. On other transcripts: 5 prime UTR variant (1), intron variant (1).
Genome position (GRCh38, 1-based): chr1:151,018,513, G>A. VCF-style: chr1-151018513-G-A. GRCh37 (hg19) VCF-style: chr1-150990989-G-A.
Other names: c.179G>A, p.Arg60His (NM_001303242.2); c.-81G>A (NM_001303243.2); c.-212+609G>A (NM_001303229.2); short protein forms R60H.
Identifiers: ClinVar variation 2994555 (VCV002994555.3), dbSNP rs751943099, ClinGen allele CA1083723.